The following is an entry in ClinVar:

NM_020778.5(ALPK3):c.1918C>T (p.Gln640Ter)

Gene: ALPK3 (alpha kinase 3; plus strand). Cytogenetic location: 15q25.3.
Variant type: single nucleotide variant.
Coding change: c.1918C>T on transcript NM_020778.5 (MANE Select); coding-DNA position 1918, C replaced by T.
Protein change: p.Gln640Ter; replaces glutamine 640 with a stop codon.
Molecular consequence: nonsense.
Genome position (GRCh38, 1-based): chr15:84,856,656, C>T. VCF-style: chr15-84856656-C-T. GRCh37 (hg19) VCF-style: chr15-85399887-C-T.
Other names: short protein forms Q640*.
Identifiers: ClinVar variation 2036835 (VCV002036835.4), dbSNP rs2505719263, ClinGen allele CA393355245.

ClinVar aggregate classification (germline): Pathogenic (1 of 4 stars; one submission).

Allele frequency attached by ClinVar (database versions not stated): gnomAD exomes below 0.00001.
gnomAD v4.1: 1 of 1,614,064 alleles (0.000062%); highest among the groups gnomAD compares: Non-Finnish European, 0.000085%; no homozygotes.

Submission:

Labcorp Genetics (formerly Invitae), Labcorp
Classification: Pathogenic. Last evaluated: 2025-06-02. Review status: criteria provided, single submitter. Criteria: Invitae Variant Classification Sherloc (09022015). Collection method: clinical testing. Allele origin: germline.
Comment: This sequence change creates a premature translational stop signal (p.Gln842*) in the ALPK3 gene. It is expected to result in an absent or disrupted protein product. Loss-of-function variants in ALPK3 are known to be pathogenic (PMID: 21441111, 26846950, 27106955, 34263907). This variant is not present in population databases (gnomAD no frequency). This variant has not been reported in the literature in individuals affected with ALPK3-related conditions. ClinVar contains an entry for this variant (Variation ID: 2036835). For these reasons, this variant has been classified as Pathogenic.

Literature cited by the submitters: PubMed 21441111; PubMed 26846950; PubMed 27106955; PubMed 34263907.